The following is an entry in ClinVar:

ClinVar aggregate classification (germline): Conflicting classifications of pathogenicity. Review status: criteria provided, conflicting classifications (1 of 4 stars). 3 submissions from 3 submitters: Uncertain significance (1); Likely benign (2). Last evaluated 2024-10-21.

Conditions:
Primary ciliary dyskinesia. Also called: Ciliary dyskinesia. Identifiers: Orphanet 244, MedGen C0008780, MONDO:0016575, HP:0012265.
Primary ciliary dyskinesia 3. Identifiers: Orphanet 244, MedGen C1837618, MONDO:0012085, OMIM 608644.

Allele frequency attached by ClinVar (database versions not stated): gnomAD exomes below 0.00001 and 0.00001; TOPMed 0.00001.
gnomAD v4.1: 3 of 1,613,960 alleles (0.00019%); highest among the groups gnomAD compares: Middle Eastern, 0.033%; no homozygotes.

Submissions (3):

Labcorp Genetics (formerly Invitae), Labcorp
Classification: Likely benign for Primary ciliary dyskinesia. Last evaluated: 2024-10-21. Review status: criteria provided, single submitter. Criteria: Invitae Variant Classification Sherloc (09022015). Collection method: clinical testing. Allele origin: germline.

Illumina Laboratory Services, Illumina
Classification: Uncertain significance for Primary ciliary dyskinesia 3. Last evaluated: 2018-01-12. Review status: criteria provided, single submitter. Criteria: ICSL Variant Classification Criteria 13 December 2019. Collection method: clinical testing. Allele origin: germline.

Laboratory for Molecular Medicine, Mass General Brigham Personalized Medicine
Classification: Likely benign. Last evaluated: 2015-12-16. Review status: criteria provided, single submitter. Criteria: LMM Criteria. Collection method: clinical testing. Allele origin: germline. Observed: 1 variant allele.
Comment: p.Asp2404Asp in exon 43 of DNAH5: This variant is not expected to have clinical significance because it does not alter an amino acid residue and is not located within the splice consensus sequence.

NM_001369.3(DNAH5):c.7212T>C (p.Asp2404=)

Gene: DNAH5 (dynein axonemal heavy chain 5; minus strand). Cytogenetic location: 5p15.2.
Variant type: single nucleotide variant.
Coding change: c.7212T>C on transcript NM_001369.3 (MANE Select); coding-DNA position 7212, T replaced by C.
Protein change: p.Asp2404=; no amino-acid change (aspartic acid 2404 retained).
Molecular consequence: synonymous variant.
Genome position (GRCh38, 1-based): chr5:13,814,623, A>G on the plus strand (T>C on the coding strand, the complement: DNAH5 is on the minus strand). VCF-style: chr5-13814623-A-G. GRCh37 (hg19) VCF-style: chr5-13814732-A-G.
Identifiers: ClinVar variation 227328 (VCV000227328.17), dbSNP rs876657454, ClinGen allele CA10576647.